The following is an entry in ClinVar:

NM_021625.5(TRPV4):c.1813A>C (p.Met605Leu)

Gene: TRPV4 (transient receptor potential cation channel subfamily V member 4; minus strand). Cytogenetic location: 12q24.11.
Variant type: single nucleotide variant.
Coding change: c.1813A>C on transcript NM_021625.5 (MANE Select); coding-DNA position 1813, A replaced by C.
Protein change: p.Met605Leu; replaces methionine 605 with leucine.
Molecular consequence: missense variant.
Genome position (GRCh38, 1-based): chr12:109,792,663, T>G on the plus strand (A>C on the coding strand, the complement: TRPV4 is on the minus strand). VCF-style: chr12-109792663-T-G. GRCh37 (hg19) VCF-style: chr12-110230468-T-G.
Other names: c.1672A>C, p.Met558Leu (NM_001177428.2); c.1711A>C, p.Met571Leu (NM_001177431.2); c.1492A>C, p.Met498Leu (NM_001177433.2); c.1633A>C, p.Met545Leu (NM_147204.3); short protein forms M498L, M545L, M558L, M571L, M605L.
Identifiers: ClinVar variation 1318676 (VCV001318676.2), dbSNP rs1890120831, ClinGen allele CA386652041.
Genomic context (GRCh38, chr12:109,792,663, plus strand): 5'-TGACTCCCTCCAGGAACACACGAGTCCAGAGGGTCCTCCCAGCCCGTACCTTCTGGATCA[T>G]GATGCTATAGGTCCCCGTCAGCTTCAGCCCACGGGTGAAGTAAAGGGCATTCATCCAGCC-3'
Protein context (NP_067638.3, residues 595-615): GLKLTGTYSI[Met605Leu]IQKILFKDLF

ClinVar aggregate classification (germline): Uncertain significance (1 of 4 stars; one submission).

Submission:

GeneDx
Classification: Uncertain significance. Last evaluated: 2020-07-20. Review status: criteria provided, single submitter. Criteria: GeneDx Variant Classification Process June 2021. Collection method: clinical testing. Allele origin: germline. Affected: yes.
Comment: Not observed in large population cohorts (Lek et al., 2016); In silico analysis supports that this missense variant has a deleterious effect on protein structure/function; Has not been previously published as pathogenic or benign to our knowledge